The following is an entry in ClinVar:

NM_139076.3(ABRAXAS1):c.489G>T (p.Arg163Ser)

Gene: ABRAXAS1 (abraxas 1, BRCA1 A complex subunit; minus strand). Cytogenetic location: 4q21.23.
Variant type: single nucleotide variant.
Coding change: c.489G>T on transcript NM_139076.3 (MANE Select); coding-DNA position 489, G replaced by T.
Protein change: p.Arg163Ser; replaces arginine 163 with serine.
Molecular consequence: missense variant.
Genome position (GRCh38, 1-based): chr4:83,469,139, C>A on the plus strand (G>T on the coding strand, the complement: ABRAXAS1 is on the minus strand). VCF-style: chr4-83469139-C-A. GRCh37 (hg19) VCF-style: chr4-84390292-C-A.
Other names: c.162G>T, p.Arg54Ser (NM_001345962.2); short protein forms R54S, R163S.
Identifiers: ClinVar variation 1419735 (VCV001419735.6), dbSNP rs535462791, ClinGen allele CA2990535.

ClinVar aggregate classification (germline): Uncertain significance (1 of 4 stars; one submission).

Allele frequency attached by ClinVar (database versions not stated): gnomAD 0.00001; ExAC 0.00002; 1000 Genomes Project 30x 0.00016; 1000 Genomes Project 0.00020.
gnomAD v4.1: 22 of 1,613,390 alleles (0.0014%); highest among the groups gnomAD compares: South Asian, 0.022%; no homozygotes.

Submission:

Labcorp Genetics (formerly Invitae), Labcorp
Classification: Uncertain significance. Last evaluated: 2026-01-13. Review status: criteria provided, single submitter. Criteria: Invitae Variant Classification Sherloc (09022015). Collection method: clinical testing. Allele origin: germline.
Comment: This sequence change replaces arginine, which is basic and polar, with serine, which is neutral and polar, at codon 163 of the ABRAXAS1 protein (p.Arg163Ser). This variant is present in population databases (rs535462791, gnomAD 0.03%). This missense change has been observed in individual(s) with ovarian cancer (PMID: 32039725). ClinVar contains an entry for this variant (Variation ID: 1419735). Invitae Evidence Modeling of protein sequence and biophysical properties (such as structural, functional, and spatial information, amino acid conservation, physicochemical variation, residue mobility, and thermodynamic stability) indicates that this missense variant is not expected to disrupt ABRAXAS1 protein function with a negative predictive value of 80%. Algorithms developed to predict the effect of sequence changes on RNA splicing suggest that this variant may disrupt the consensus splice site. In summary, the available evidence is currently insufficient to determine the role of this variant in disease. Therefore, it has been classified as a Variant of Uncertain Significance.

Literature cited by the submitters: PubMed 32039725.